The following is an entry in ClinVar:

ClinVar aggregate classification (germline): Uncertain significance (1 of 4 stars; one submission).

Submission:

Ambry Genetics
Classification: Uncertain significance. Last evaluated: 2021-09-13. Review status: criteria provided, single submitter. Criteria: Ambry Variant Classification Scheme 2023. Collection method: clinical testing. Allele origin: germline.
Comment: The p.G830A variant (also known as c.2489G>C), located in coding exon 23 of the KIF1B gene, results from a G to C substitution at nucleotide position 2489. The glycine at codon 830 is replaced by alanine, an amino acid with similar properties. This amino acid position is highly conserved in available vertebrate species. In addition, this alteration is predicted to be deleterious by in silico analysis. Since supporting evidence is limited at this time, the clinical significance of this alteration remains unclear.

NM_001365951.3(KIF1B):c.2627G>C (p.Gly876Ala)

Gene: KIF1B (kinesin family member 1B; plus strand). Cytogenetic location: 1p36.22.
Variant type: single nucleotide variant.
Coding change: c.2627G>C on transcript NM_001365951.3 (MANE Select); coding-DNA position 2627, G replaced by C.
Protein change: p.Gly876Ala; replaces glycine 876 with alanine.
Molecular consequence: missense variant.
Genome position (GRCh38, 1-based): chr1:10,324,847, G>C. VCF-style: chr1-10324847-G-C. GRCh37 (hg19) VCF-style: chr1-10384905-G-C.
Other names: c.2627G>C, p.Gly876Ala (NM_001365952.1); c.2489G>C, p.Gly830Ala (NM_015074.3); short protein forms G876A, G830A.
Identifiers: ClinVar variation 1792031 (VCV001792031.2), dbSNP rs1353851331, ClinGen allele CA338335736.